The following is an entry in ClinVar:

NM_207122.2(EXT2):c.592G>A (p.Asp198Asn)

Gene: EXT2 (exostosin glycosyltransferase 2; plus strand). Cytogenetic location: 11p11.2.
Variant type: single nucleotide variant.
Coding change: c.592G>A on transcript NM_207122.2 (MANE Select); coding-DNA position 592, G replaced by A.
Protein change: p.Asp198Asn; replaces aspartic acid 198 with asparagine.
Molecular consequence: missense variant.
Genome position (GRCh38, 1-based): chr11:44,109,249, G>A. VCF-style: chr11-44109249-G-A. GRCh37 (hg19) VCF-style: chr11-44130799-G-A.
Other names: c.592G>A, p.Asp198Asn (NM_001389630.1, NM_001178083.3, NM_001389628.1); c.691G>A, p.Asp231Asn (NM_000401.3); short protein forms D198N, D231N.
Identifiers: ClinVar variation 4882668 (VCV004882668.2).

ClinVar aggregate classification (germline): Uncertain significance (1 of 4 stars; one submission).

Submission:

Dasa
Classification: Uncertain significance. Last evaluated: 2025-08-05. Review status: criteria provided, single submitter. Criteria: DASA Assertion Criteria. Collection method: clinical testing. Allele origin: germline.
Comment: NM_207122.2(EXT2):c.592G>A (p.Asp198Asn) is a missense variant that results in the substitution of aspartic acid with asparagine. This variant is absent from population databases. The currently available literature and clinical evidence are not sufficient to establish a definitive association between this variant and the reported condition. Therefore, this variant is classified as a variant of uncertain significance.